The following is an entry in ClinVar:

ClinVar aggregate classification (germline): Uncertain significance (1 of 4 stars; one submission).

Submission:

Women's Health and Genetics/Laboratory Corporation of America, LabCorp
Classification: Uncertain significance. Last evaluated: 2025-07-21. Review status: criteria provided, single submitter. Criteria: LabCorp Variant Classification Summary - May 2015. Collection method: clinical testing. Allele origin: germline.
Comment: Variant summary: TYR c.453C>G (p.Ile151Met) results in a conservative amino acid change in the encoded protein sequence. Algorithms developed to predict the effect of missense changes on protein structure and function are either unavailable or do not agree on the potential impact of this missense change. The variant was absent in 251426 control chromosomes. The available data on variant occurrences in the general population are insufficient to allow any conclusion about variant significance. To our knowledge, no occurrence of c.453C>G in individuals affected with Oculocutaneous Albinism and no experimental evidence demonstrating its impact on protein function have been reported. No submitters have cited clinical-significance assessments for this variant to ClinVar. Based on the evidence outlined above, the variant was classified as uncertain significance.

NM_000372.5(TYR):c.453C>G (p.Ile151Met)

Gene: TYR (tyrosinase; plus strand). Cytogenetic location: 11q14.3.
Variant type: single nucleotide variant.
Coding change: c.453C>G on transcript NM_000372.5 (MANE Select); coding-DNA position 453, C replaced by G.
Protein change: p.Ile151Met; replaces isoleucine 151 with methionine.
Molecular consequence: missense variant.
Genome position (GRCh38, 1-based): chr11:89,178,406, C>G. VCF-style: chr11-89178406-C-G. GRCh37 (hg19) VCF-style: chr11-88911574-C-G.
Other names: short protein forms I151M.
Identifiers: ClinVar variation 4525755 (VCV004525755.1).